The following is an entry in ClinVar:

NM_017514.5(PLXNA3):c.1447-4C>T

Gene: PLXNA3 (plexin A3; plus strand). Cytogenetic location: Xq28.
Variant type: single nucleotide variant.
Coding change: c.1447-4C>T on transcript NM_017514.5 (MANE Select); 4 bases into the intron before coding-DNA position 1447, C replaced by T.
Molecular consequence: intron variant.
Genome position (GRCh38, 1-based): chrX:154,463,586, C>T. VCF-style: chrX-154463586-C-T. GRCh37 (hg19) VCF-style: chrX-153691929-C-T.
Identifiers: ClinVar variation 3351131 (VCV003351131.1).
Genomic context (GRCh38, chrX:154,463,586, plus strand): 5'-CTGTGGTGGGTGGCGGTGGGTGGTGGGGCGGGGGTGGGCTGGGTGCTGATGTGGCTGTCC[C>T]CAGGTGAGCCAGCTCCCGGTGGAGACCTGTGAGCAGTACCAGAGCTGCGCAGCCTGCCTG-3'

ClinVar aggregate classification (germline): Likely benign (0 of 4 stars; one submission).

Conditions:
PLXNA3-related disorder. Also called: PLXNA3-related condition.

gnomAD v4.1: 7 of 1,189,707 alleles (0.00059%); highest among the groups gnomAD compares: African/African-American, 0.012%; no homozygotes.

Submission:

PreventionGenetics, part of Exact Sciences
Classification: Likely benign for PLXNA3-related condition. Last evaluated: 2022-01-25. Review status: no assertion criteria provided. Collection method: clinical testing. Allele origin: germline.
Comment: This variant is classified as likely benign based on ACMG/AMP sequence variant interpretation guidelines (Richards et al. 2015 PMID: 25741868, with internal and published modifications).